The following is an entry in ClinVar:

NM_022765.4(MICAL1):c.667G>A (p.Val223Ile)

Gene: MICAL1 (microtubule associated monooxygenase, calponin and LIM domain containing 1; minus strand). Cytogenetic location: 6q21.
Variant type: single nucleotide variant.
Coding change: c.667G>A on transcript NM_022765.4 (MANE Select); coding-DNA position 667, G replaced by A.
Protein change: p.Val223Ile; replaces valine 223 with isoleucine.
Molecular consequence: missense variant.
Genome position (GRCh38, 1-based): chr6:109,452,520, C>T on the plus strand (G>A on the coding strand, the complement: MICAL1 is on the minus strand). VCF-style: chr6-109452520-C-T. GRCh37 (hg19) VCF-style: chr6-109773723-C-T.
Other names: c.667G>A, p.Val223Ile (NM_001159291.2); c.724G>A, p.Val242Ile (NM_001286613.2); short protein forms V223I, V242I.
Identifiers: ClinVar variation 2155168 (VCV002155168.4), dbSNP rs113630183, ClinGen allele CA3953680.
Genomic context (GRCh38, chr6:109,452,520, plus strand): 5'-GCCCAGGATGTGCCAGAGATGCTGGCTTCTTTGAGGGAAGTGATCACTCACCTTCAGGGA[C>T]GAATTTACCTCCTGCAGCCGAGATAAGGACGTCAAATTCATAGTTGGCCAGCTGGGCAGG-3'
Protein context (NP_073602.3, residues 213-233): VLISAAGGKF[Val223Ile]PEGFKVREMR

ClinVar aggregate classification (germline): Uncertain significance (1 of 4 stars; one submission).

Allele frequency attached by ClinVar (database versions not stated): ExAC 0.00003; gnomAD exomes 0.00003; gnomAD 0.00007; TOPMed 0.00007.
gnomAD v4.1: 60 of 1,613,740 alleles (0.0037%); highest among the groups gnomAD compares: African/African-American, 0.035%; no homozygotes.

Submission:

Labcorp Genetics (formerly Invitae), Labcorp
Classification: Uncertain significance. Last evaluated: 2025-11-25. Review status: criteria provided, single submitter. Criteria: Invitae Variant Classification Sherloc (09022015). Collection method: clinical testing. Allele origin: germline.
Comment: This sequence change replaces valine, which is neutral and non-polar, with isoleucine, which is neutral and non-polar, at codon 242 of the MICAL1 protein (p.Val242Ile). This variant is present in population databases (rs113630183, gnomAD 0.02%). This variant has not been reported in the literature in individuals affected with MICAL1-related conditions. ClinVar contains an entry for this variant (Variation ID: 2155168). An algorithm developed to predict the effect of missense changes on protein structure and function outputs the following: PolyPhen-2: "Benign". The isoleucine amino acid residue is found in multiple mammalian species, which suggests that this missense change does not adversely affect protein function. In summary, the available evidence is currently insufficient to determine the role of this variant in disease. Therefore, it has been classified as a Variant of Uncertain Significance.